The following is an entry in ClinVar:

ClinVar aggregate classification (germline): Benign/Likely benign. Review status: criteria provided, multiple submitters, no conflicts (2 of 4 stars). 4 submissions from 4 submitters: Benign (2); Likely benign (2). Last evaluated 2025-10-06.

Allele frequency attached by ClinVar (database versions not stated): gnomAD 0.00003 and 0.00004; gnomAD exomes 0.00005 and 0.00008; ExAC 0.00007; ESP Exome Variant Server 0.00008; TOPMed 0.00008.
gnomAD v4.1: 82 of 1,603,272 alleles (0.0051%); highest among the groups gnomAD compares: Non-Finnish European, 0.005%; no homozygotes.

Submissions (4):

Labcorp Genetics (formerly Invitae), Labcorp
Classification: Benign. Last evaluated: 2025-10-06. Review status: criteria provided, single submitter. Criteria: Invitae Variant Classification Sherloc (09022015). Collection method: clinical testing. Allele origin: germline.

Blueprint Genetics
Classification: Likely benign. Last evaluated: 2024-09-17. Review status: criteria provided, single submitter. Criteria: ACMG Guidelines, 2015. Collection method: clinical testing. Allele origin: germline.

CeGaT Center for Human Genetics Tuebingen
Classification: Likely benign. Last evaluated: 2022-04-01. Review status: criteria provided, single submitter. Criteria: CeGaT Center For Human Genetics Tuebingen Variant Classification Criteria Version 2. Collection method: clinical testing. Allele origin: germline. Affected: yes. Observed: 1 variant allele.
Comment: NSD1: BP4, BP7

GeneDx
Classification: Benign. Last evaluated: 2019-05-30. Review status: criteria provided, single submitter. Criteria: GeneDx Variant Classification Process June 2021. Collection method: clinical testing. Allele origin: germline. Affected: yes.

NM_022455.5(NSD1):c.1782T>C (p.Pro594=)

Gene: NSD1 (nuclear receptor binding SET domain protein 1; plus strand). Cytogenetic location: 5q35.3.
Variant type: single nucleotide variant.
Coding change: c.1782T>C on transcript NM_022455.5 (MANE Select); coding-DNA position 1782, T replaced by C.
Protein change: p.Pro594=; no amino-acid change (proline 594 retained).
Molecular consequence: synonymous variant.
Genome position (GRCh38, 1-based): chr5:177,210,181, T>C. VCF-style: chr5-177210181-T-C. GRCh37 (hg19) VCF-style: chr5-176637182-T-C.
Other names: c.909T>C, p.Pro303= (NM_001365684.2, NM_001409306.1, NM_001409307.1 and 3 more transcripts); c.1782T>C, p.Pro594= (NM_001409301.1, NM_001409302.1, NM_001409303.1); c.1362T>C, p.Pro454= (NM_001409304.1); c.1029T>C, p.Pro343= (NM_001409305.1).
Identifiers: ClinVar variation 1266042 (VCV001266042.29), dbSNP rs200002555, ClinGen allele CA3577143.